The following is an entry in ClinVar:

NC_000016.9:g.(?_2125611)_(2126561_?)del

Gene: TSC2 (TSC complex subunit 2; plus strand). Cytogenetic location: 16p13.3.
Variant type: Deletion.
Identifiers: ClinVar variation 3243479 (VCV003243479.1).

ClinVar aggregate classification (germline): Pathogenic (1 of 4 stars; one submission).

Conditions:
Tuberous sclerosis 2 (TSC2). Identifiers: Orphanet 805, MedGen C1860707, MONDO:0013199, OMIM 613254.

Submission:

Labcorp Genetics (formerly Invitae), Labcorp
Classification: Pathogenic for Tuberous sclerosis 2. Last evaluated: 2023-07-25. Review status: criteria provided, single submitter. Criteria: Invitae Variant Classification Sherloc (09022015). Collection method: clinical testing. Allele origin: unknown.
Comment: This variant has not been reported in the literature in individuals affected with TSC2-related conditions. This variant results in the deletion of exons 23-24 and part of exon 25 (c.2546-188_2813del) of the TSC2 gene. It is expected to disrupt RNA splicing. Variants that disrupt the donor or acceptor splice site typically lead to a loss of protein function (PMID: 16199547), and loss-of-function variants in TSC2 are known to be pathogenic (PMID: 10205261, 17304050). This variant disrupts a region of the TSC2 protein in which other variant(s) (p.Ala889Val) have been determined to be pathogenic (PMID: 21309039, 21520333, 30185235; Invitae). This suggests that this is a clinically significant region of the protein, and that variants that disrupt it are likely to be disease-causing. For these reasons, this variant has been classified as Pathogenic.

Literature cited by the submitters: PubMed 16199547; PubMed 10205261; PubMed 17304050; PubMed 21309039; PubMed 21520333; PubMed 30185235.